The following is an entry in ClinVar:

ClinVar aggregate classification (germline): Uncertain significance. Review status: criteria provided, multiple submitters, no conflicts (2 of 4 stars). 2 submissions from 2 submitters: Uncertain significance (2). Last evaluated 2025-01-01.

Conditions:
Inborn genetic diseases. Identifiers: MedGen C0950123, MeSH D030342.
Macrocephaly-developmental delay syndrome (MRT41). Also called: INTELLECTUAL DEVELOPMENTAL DISORDER, AUTOSOMAL RECESSIVE 41. Identifiers: Orphanet 397612, MedGen C3810225, MONDO:0014289, OMIM 615637.

Allele frequency attached by ClinVar (database versions not stated): TOPMed below 0.00001.

Submissions (2):

Ambry Genetics
Classification: Uncertain significance for Inborn genetic diseases. Last evaluated: 2025-01-01. Review status: criteria provided, single submitter. Criteria: Ambry Variant Classification Scheme 2023. Collection method: clinical testing. Allele origin: germline.

Labcorp Genetics (formerly Invitae), Labcorp
Classification: Uncertain significance for Macrocephaly-developmental delay syndrome. Last evaluated: 2020-01-21. Review status: criteria provided, single submitter. Criteria: Invitae Variant Classification Sherloc (09022015). Collection method: clinical testing. Allele origin: germline.
Comment: In summary, the available evidence is currently insufficient to determine the role of this variant in disease. Therefore, it has been classified as a Variant of Uncertain Significance. Algorithms developed to predict the effect of missense changes on protein structure and function (SIFT, PolyPhen-2, Align-GVGD) all suggest that this variant is likely to be tolerated, but these predictions have not been confirmed by published functional studies and their clinical significance is uncertain. This variant has not been reported in the literature in individuals with KPTN-related conditions. This variant is not present in population databases (ExAC no frequency). This sequence change replaces alanine with threonine at codon 35 of the KPTN protein (p.Ala35Thr). The alanine residue is weakly conserved and there is a small physicochemical difference between alanine and threonine.

NM_007059.4(KPTN):c.103G>A (p.Ala35Thr)

Gene: KPTN (kaptin, actin binding protein; minus strand). Cytogenetic location: 19q13.32.
Variant type: single nucleotide variant.
Coding change: c.103G>A on transcript NM_007059.4 (MANE Select); coding-DNA position 103, G replaced by A.
Protein change: p.Ala35Thr; replaces alanine 35 with threonine.
Molecular consequence: missense variant. On other transcripts: non-coding transcript variant (1).
Genome position (GRCh38, 1-based): chr19:47,484,058, C>T on the plus strand (G>A on the coding strand, the complement: KPTN is on the minus strand). VCF-style: chr19-47484058-C-T. GRCh37 (hg19) VCF-style: chr19-47987315-C-T.
Other names: c.103G>A (NM_007059.2); c.103G>A, p.Ala35Thr (NM_001291296.2); short protein forms A35T.
Identifiers: ClinVar variation 1053015 (VCV001053015.12), dbSNP rs766565965, ClinGen allele CA406606967.